The following is an entry in ClinVar:

ClinVar aggregate classification (germline): Pathogenic (1 of 4 stars; one submission).

Submission:

Labcorp Genetics (formerly Invitae), Labcorp
Classification: Pathogenic. Last evaluated: 2025-10-30. Review status: criteria provided, single submitter. Criteria: Invitae Variant Classification Sherloc (09022015). Collection method: clinical testing. Allele origin: germline.
Comment: This sequence change replaces glycine, which is neutral and non-polar, with glutamic acid, which is acidic and polar, at codon 123 of the COL4A5 protein (p.Gly123Glu). This variant is not present in population databases (gnomAD no frequency). This missense change has been observed in individual(s) with Alport syndrome (PMID: 24522658). It has also been observed to segregate with disease in related individuals. Invitae Evidence Modeling of protein sequence and biophysical properties (such as structural, functional, and spatial information, amino acid conservation, physicochemical variation, residue mobility, and thermodynamic stability) indicates that this missense variant is expected to disrupt COL4A5 protein function with a positive predictive value of 95%. This variant disrupts the triple helix domain of COL4A5. Glycine residues within the Gly-Xaa-Yaa repeats of the triple helix domain are required for the structure and stability of fibrillar collagens (PMID: 7695699, 8218237, 19344236). In COL4A5, missense variants at these glycine residues are significantly enriched in individuals with disease (PMID: 23720012, 27627812) compared to the general population (ExAC). For these reasons, this variant has been classified as Pathogenic.

Literature cited by the submitters: PubMed 24522658; PubMed 7695699; PubMed 8218237; PubMed 19344236; PubMed 23720012; PubMed 27627812.

NM_033380.3(COL4A5):c.368G>A (p.Gly123Glu)

Gene: COL4A5 (collagen type IV alpha 5 chain; plus strand). Cytogenetic location: Xq22.3.
Variant type: single nucleotide variant.
Coding change: c.368G>A on transcript NM_033380.3 (MANE Select); coding-DNA position 368, G replaced by A.
Protein change: p.Gly123Glu; replaces glycine 123 with glutamic acid.
Molecular consequence: missense variant.
Genome position (GRCh38, 1-based): chrX:108,568,805, G>A. VCF-style: chrX-108568805-G-A. GRCh37 (hg19) VCF-style: chrX-107812035-G-A.
Other names: c.368G>A, p.Gly123Glu (NM_000495.5); short protein forms G123E.
Identifiers: ClinVar variation 4710860 (VCV004710860.1), dbSNP rs1569488429.